The following is an entry in ClinVar:

ClinVar aggregate classification (germline): Uncertain significance (1 of 4 stars; one submission).

Submission:

Women's Health and Genetics/Laboratory Corporation of America, LabCorp
Classification: Uncertain significance. Last evaluated: 2023-12-08. Review status: criteria provided, single submitter. Criteria: LabCorp Variant Classification Summary - May 2015. Collection method: clinical testing. Allele origin: germline.
Comment: Variant summary: The variant involves the deletion of exon 32 in the RTTN gene. A presumed nomenclature of c.(4302+1_4303-1)_(4374+1_4375-1)del has been designated for the purposes of this classification. This Copy Number Variant (CNV) is predicted to result in an in-frame deletion within this gene. The variant was absent in 125186 control chromosomes (gnomAD Structural Variants dataset v4.0). To our knowledge, no occurrence of c.(4302+1_4303-1)_(4374+1_4375-1)del in individuals affected with Microcephalic Primordial Dwarfism Due To RTTN Deficiency and no experimental evidence demonstrating its impact on protein function have been reported. One submitter has cited clinical-significance assessments for this variant to ClinVar after 2014 and has classified the variant as uncertain significance. Based on the evidence outlined above, the variant was classified as uncertain significance.

NC_000018.9:g.(67742778_67753848)_(67753921_67755224)del

Gene: RTTN (rotatin; minus strand). Cytogenetic location: 18q22.2.
Variant type: Deletion.
Identifiers: ClinVar variation 2691569 (VCV002691569.1).